The following is an entry in ClinVar:

NM_021116.4(ADCY1):c.2004G>A (p.Thr668=)

Gene: ADCY1 (adenylate cyclase 1; plus strand). Cytogenetic location: 7p12.3.
Variant type: single nucleotide variant.
Coding change: c.2004G>A on transcript NM_021116.4 (MANE Select); coding-DNA position 2004, G replaced by A.
Protein change: p.Thr668=; no amino-acid change (threonine 668 retained).
Molecular consequence: synonymous variant.
Genome position (GRCh38, 1-based): chr7:45,684,999, G>A. VCF-style: chr7-45684999-G-A. GRCh37 (hg19) VCF-style: chr7-45724598-G-A.
Other names: c.2004G>A (NM_021116.2).
Identifiers: ClinVar variation 1904353 (VCV001904353.7), dbSNP rs200103818, ClinGen allele CA4249121.

ClinVar aggregate classification (germline): Likely benign. Review status: criteria provided, single submitter (1 of 4 stars). 2 submissions from 2 submitters: Likely benign (1). 1 of the submissions does not count toward it. Last evaluated 2024-11-07.

Conditions:
ADCY1-related disorder. Also called: ADCY1-related condition.

Allele frequency attached by ClinVar (database versions not stated): gnomAD exomes below 0.00001; ExAC 0.00001; TOPMed 0.00002; gnomAD 0.00003; 1000 Genomes Project 0.00020; 1000 Genomes Project 30x 0.00031.
gnomAD v4.1: 12 of 1,614,142 alleles (0.00074%); highest among the groups gnomAD compares: Admixed American, 0.0067%; no homozygotes.

Submissions (2):

Labcorp Genetics (formerly Invitae), Labcorp
Classification: Likely benign. Last evaluated: 2024-11-07. Review status: criteria provided, single submitter. Criteria: Invitae Variant Classification Sherloc (09022015). Collection method: clinical testing. Allele origin: germline.

PreventionGenetics, part of Exact Sciences
Classification: Likely benign for ADCY1-related condition. Last evaluated: 2020-05-21. Review status: no assertion criteria provided. Collection method: clinical testing. Allele origin: germline. Not counted in ClinVar's aggregate classification.
Comment: This variant is classified as likely benign based on ACMG/AMP sequence variant interpretation guidelines (Richards et al. 2015 PMID: 25741868, with internal and published modifications).